The following is an entry in ClinVar:

ClinVar aggregate classification (germline): Pathogenic (1 of 4 stars; one submission).

Conditions:
Primary ciliary dyskinesia. Also called: Ciliary dyskinesia. Identifiers: Orphanet 244, MedGen C0008780, MONDO:0016575, HP:0012265.

Submission:

Labcorp Genetics (formerly Invitae), Labcorp
Classification: Pathogenic for Primary ciliary dyskinesia. Last evaluated: 2023-08-20. Review status: criteria provided, single submitter. Criteria: Invitae Variant Classification Sherloc (09022015). Collection method: clinical testing. Allele origin: germline.
Comment: This sequence change creates a premature translational stop signal (p.Asn4275Lysfs*4) in the DNAH11 gene. It is expected to result in an absent or disrupted protein product. Loss-of-function variants in DNAH11 are known to be pathogenic (PMID: 18022865, 20513915, 22184204). This variant is present in population databases (rs751061873, gnomAD 0.003%). This variant has not been reported in the literature in individuals affected with DNAH11-related conditions. For these reasons, this variant has been classified as Pathogenic.

Literature cited by the submitters: PubMed 18022865; PubMed 20513915; PubMed 22184204.

NM_001277115.2(DNAH11):c.12824dup (p.Asn4275fs)

Gene: DNAH11 (dynein axonemal heavy chain 11; plus strand). Cytogenetic location: 7p15.3.
Variant type: Duplication.
Coding change: c.12824dup on transcript NM_001277115.2 (MANE Select); coding-DNA position 12824, one base duplicated (A; older notation c.12824dupA).
Protein change: p.Asn4275fs; shifts the reading frame from asparagine 4275.
Molecular consequence: frameshift variant.
Genome position (GRCh38, 1-based): chr7:21,894,696, A duplicated; the last of 7 consecutive A bases (chr7:21,894,690-21,894,696); duplicating any one gives the same sequence. VCF-style (leftmost placement, unchanged base first): chr7-21894689-C-CA. GRCh37 (hg19) VCF-style: chr7-21934307-C-CA.
Other names: c.12845dup, p.Asn4282Lysfs (NM_003777.3); short protein forms N4275fs.
Identifiers: ClinVar variation 2726122 (VCV002726122.3), dbSNP rs751061873, ClinGen allele CA4183194.
Genomic context (GRCh38, chr7:21,894,689, plus strand): 5'-AATGTCTTGGATGACATTTTGGAGAAACTTCCAGAAGAGTTCAACATGGCAGAGATAATG[C>CA]AAAAAAATTCAAATAGAAGCCCATATGTTCTTGTTTGCTTCCAAGAATGTGAGAGGATGA-3'